The following is an entry in ClinVar:

ClinVar aggregate classification (germline): Uncertain significance (1 of 4 stars; one submission).

Allele frequency attached by ClinVar (database versions not stated): gnomAD 0.00001; TOPMed 0.00002.
gnomAD v4.1: 1 of 1,614,000 alleles (0.000062%); highest among the groups gnomAD compares: African/African-American, 0.0013%; no homozygotes.

Submission:

Labcorp Genetics (formerly Invitae), Labcorp
Classification: Uncertain significance. Last evaluated: 2024-01-08. Review status: criteria provided, single submitter. Criteria: Invitae Variant Classification Sherloc (09022015). Collection method: clinical testing. Allele origin: germline.
Comment: This sequence change replaces serine, which is neutral and polar, with cysteine, which is neutral and slightly polar, at codon 1031 of the DSG1 protein (p.Ser1031Cys). This variant is not present in population databases (gnomAD no frequency). This variant has not been reported in the literature in individuals affected with DSG1-related conditions. An algorithm developed to predict the effect of missense changes on protein structure and function (PolyPhen-2) suggests that this variant is likely to be disruptive. In summary, the available evidence is currently insufficient to determine the role of this variant in disease. Therefore, it has been classified as a Variant of Uncertain Significance.

NM_001942.4(DSG1):c.3092C>G (p.Ser1031Cys)

Genes: DSG1 (desmoglein 1; plus strand), DSG1-AS1 (DSG1 antisense RNA 1; minus strand). Cytogenetic location: 18q12.1.
Variant type: single nucleotide variant.
Coding change: c.3092C>G on transcript NM_001942.4 (MANE Select); coding-DNA position 3092, C replaced by G.
Protein change: p.Ser1031Cys; replaces serine 1031 with cysteine.
Molecular consequence: missense variant.
Genome position (GRCh38, 1-based): chr18:31,355,288, C>G. VCF-style: chr18-31355288-C-G. GRCh37 (hg19) VCF-style: chr18-28935251-C-G.
Other names: short protein forms S1031C.
Identifiers: ClinVar variation 2835441 (VCV002835441.3), dbSNP rs2071946337, ClinGen allele CA402125941.